The following is an entry in ClinVar:

NM_000141.5(FGFR2):c.1373C>G (p.Pro458Arg)

Gene: FGFR2 (fibroblast growth factor receptor 2; minus strand). Cytogenetic location: 10q26.13.
Variant type: single nucleotide variant.
Coding change: c.1373C>G on transcript NM_000141.5 (MANE Select); coding-DNA position 1373, C replaced by G.
Protein change: p.Pro458Arg; replaces proline 458 with arginine.
Molecular consequence: missense variant. On other transcripts: non-coding transcript variant (1).
Genome position (GRCh38, 1-based): chr10:121,503,856, G>C on the plus strand (C>G on the coding strand, the complement: FGFR2 is on the minus strand). VCF-style: chr10-121503856-G-C. GRCh37 (hg19) VCF-style: chr10-123263370-G-C.
Other names: c.1376C>G, p.Pro459Arg (NM_001144913.1, NM_022970.4); c.1037C>G, p.Pro346Arg (NM_001144914.1); c.1106C>G, p.Pro369Arg (NM_001144915.2, NM_023029.3); c.1028C>G, p.Pro343Arg (NM_001144916.2, NM_001441090.1); c.1025C>G, p.Pro342Arg (NM_001144917.2); c.1022C>G, p.Pro341Arg (NM_001144918.2, NM_001441091.1); c.1109C>G, p.Pro370Arg (NM_001144919.2); c.689C>G, p.Pro230Arg (NM_001320654.2); and 4 more; short protein forms P342R, P343R, P456R, P457R, P459R, P367R, P370R, P368R.
Identifiers: ClinVar variation 5009673 (VCV005009673.1).

ClinVar aggregate classification (germline): Uncertain significance (1 of 4 stars; one submission).

Submission:

GeneDx
Classification: Uncertain significance. Last evaluated: 2026-02-18. Review status: criteria provided, single submitter. Criteria: GeneDx Variant Classification Process June 2021. Collection method: clinical testing. Allele origin: germline.
Comment: Not observed at significant frequency in large population cohorts (gnomAD); In silico analysis supports that this missense variant has a deleterious effect on protein structure/function; Has not been previously published as pathogenic or benign to our knowledge